The following is an entry in ClinVar:

NM_003873.7(NRP1):c.332C>T (p.Pro111Leu)

Gene: NRP1 (neuropilin 1; minus strand). Cytogenetic location: 10p11.22.
Variant type: single nucleotide variant.
Coding change: c.332C>T on transcript NM_003873.7 (MANE Select); coding-DNA position 332, C replaced by T.
Protein change: p.Pro111Leu; replaces proline 111 with leucine.
Molecular consequence: missense variant.
Genome position (GRCh38, 1-based): chr10:33,270,773, G>A on the plus strand (C>T on the coding strand, the complement: NRP1 is on the minus strand). VCF-style: chr10-33270773-G-A. GRCh37 (hg19) VCF-style: chr10-33559701-G-A.
Other names: c.332C>T, p.Pro111Leu (NM_001024628.3, NM_001024629.3, NM_001244972.2 and 2 more transcripts); short protein forms P111L.
Identifiers: ClinVar variation 4984579 (VCV004984579.1).

ClinVar aggregate classification (germline): Uncertain significance (1 of 4 stars; one submission).

Conditions:
NRP1-related disorder. Also called: NRP1-related condition.

gnomAD v4.1: 1 of 1,613,914 alleles (0.000062%); highest among the groups gnomAD compares: Non-Finnish European, 0.000085%; no homozygotes.

Submission:

PreventionGenetics, part of Exact Sciences
Classification: Uncertain significance for NRP1-related condition. Last evaluated: 2025-12-08. Review status: criteria provided, single submitter. Criteria: ACMG Guidelines, 2015. Collection method: clinical testing. Allele origin: germline.
Comment: The NRP1 c.332C>T variant is predicted to result in the amino acid substitution p.Pro111Leu. To our knowledge, this variant has not been reported in the literature or in a large population database (gnomAD), indicating this variant is rare. At this time, the clinical significance of this variant is uncertain due to the absence of conclusive functional and genetic evidence.